The following is an entry in ClinVar:

NM_006393.3(NEBL):c.2761+280T>A

Gene: NEBL (nebulette; minus strand). Cytogenetic location: 10p12.31.
Variant type: single nucleotide variant.
Coding change: c.2761+280T>A on transcript NM_006393.3 (MANE Select); 280 bases into the intron after coding-DNA position 2761, T replaced by A.
Molecular consequence: intron variant.
Genome position (GRCh38, 1-based): chr10:20,808,230, A>T on the plus strand (T>A on the coding strand, the complement: NEBL is on the minus strand). VCF-style: chr10-20808230-A-T. GRCh37 (hg19) VCF-style: chr10-21097159-A-T.
Other names: c.421+4539T>A (NM_001377326.1, NM_001377327.1, NM_001377328.1); c.529+4539T>A (NM_213569.2, NM_001173484.2); c.622+1576T>A (NM_001377322.1); c.472+4539T>A (NM_001377324.1); c.463+4539T>A (NM_001377325.1); c.481+4539T>A (NM_001377323.1).
Identifiers: ClinVar variation 683677 (VCV000683677.1), dbSNP rs73607518, ClinGen allele CA204162175.

ClinVar aggregate classification (germline): Likely benign (1 of 4 stars; one submission).

Allele frequency attached by ClinVar (database versions not stated): gnomAD 0.01307 and 0.01410; 1000 Genomes Project 30x 0.01421; 1000 Genomes Project 0.01438; TOPMed 0.01578.
gnomAD v4.1: 1,978 of 152,226 alleles (1.3%); highest among the groups gnomAD compares: African/African-American, 4.3%; 44 homozygotes.

Submission:

GeneDx
Classification: Likely benign. Last evaluated: 2018-06-19. Review status: criteria provided, single submitter. Criteria: GeneDx Variant Classification (06012015). Collection method: clinical testing. Allele origin: germline. Affected: yes.
Comment: This variant is considered likely benign or benign based on one or more of the following criteria: it is a conservative change, it occurs at a poorly conserved position in the protein, it is predicted to be benign by multiple in silico algorithms, and/or has population frequency not consistent with disease.